The following is an entry in ClinVar:

ClinVar aggregate classification (germline): Uncertain significance (1 of 4 stars; one submission).

Conditions:
Neurodevelopmental disorder with regression, abnormal movements, loss of speech, and seizures. Identifiers: Orphanet 597623, MedGen C4748127, MONDO:0060759, OMIM 618088.

Submission:

Neuberg Centre For Genomic Medicine, NCGM
Classification: Uncertain significance for Neurodevelopmental disorder with regression, abnormal movements, loss of speech, and seizures. Last evaluated: 2023-06-02. Review status: criteria provided, single submitter. Criteria: ACMG Guidelines, 2015. Collection method: clinical testing. Allele origin: germline. Inheritance: Autosomal dominant inheritance. Affected: yes.
Comment: The observed missense variant c.2028C>G(p.Asn676Lys) in the IRF2BPL gene has not been reported previously as a pathogenic variant nor as a benign variant, to our knowledge. This variant is absent in the gnomAD Exomes. The amino acid Asparagibe at position 676 is changed to a Lysine changing protein sequence and it might alter its composition and physico-chemical properties. Multiple lines of computational evidence (Polyphen - Possibly Damaging and MutationTaster - Disease causing) predict a damaging effect on protein structure and function for this variant. The residue is conserved by GERP++ and PhyloP across 100 vertebrates. For these reasons, this variant has been classified as Uncertain Significance.

NM_024496.4(IRF2BPL):c.2028C>G (p.Asn676Lys)

Gene: IRF2BPL (interferon regulatory factor 2 binding protein like; minus strand). Cytogenetic location: 14q24.3.
Variant type: single nucleotide variant.
Coding change: c.2028C>G on transcript NM_024496.4 (MANE Select); coding-DNA position 2028, C replaced by G.
Protein change: p.Asn676Lys; replaces asparagine 676 with lysine.
Molecular consequence: missense variant.
Genome position (GRCh38, 1-based): chr14:77,025,765, G>C on the plus strand (C>G on the coding strand, the complement: IRF2BPL is on the minus strand). VCF-style: chr14-77025765-G-C. GRCh37 (hg19) VCF-style: chr14-77492108-G-C.
Other names: short protein forms N676K.
Identifiers: ClinVar variation 3362274 (VCV003362274.3).